The following is an entry in ClinVar:

NM_032638.5(GATA2):c.524C>T (p.Pro175Leu)

Gene: GATA2 (GATA binding protein 2; minus strand). Cytogenetic location: 3q21.3.
Variant type: single nucleotide variant.
Coding change: c.524C>T on transcript NM_032638.5 (MANE Select); coding-DNA position 524, C replaced by T.
Protein change: p.Pro175Leu; replaces proline 175 with leucine.
Molecular consequence: missense variant.
Genome position (GRCh38, 1-based): chr3:128,486,074, G>A on the plus strand (C>T on the coding strand, the complement: GATA2 is on the minus strand). VCF-style: chr3-128486074-G-A. GRCh37 (hg19) VCF-style: chr3-128204917-G-A.
Other names: c.524C>T, p.Pro175Leu (NM_001145661.2, NM_001145662.1); short protein forms P175L.
Identifiers: ClinVar variation 961794 (VCV000961794.10), dbSNP rs755939655, ClinGen allele CA354406587.

ClinVar aggregate classification (germline): Uncertain significance. Review status: criteria provided, multiple submitters, no conflicts (2 of 4 stars). 2 submissions from 2 submitters: Uncertain significance (2). Last evaluated 2026-03-31.

Conditions:
Monocytopenia with susceptibility to infections. Also called: MONOCYTOPENIA AND MYCOBACTERIAL INFECTION SYNDROME; MONOCYTOPENIA WITH SUSCEPTIBILITY TO MYCOBACTERIAL, FUNGAL, AND PAPILLOMAVIRUS INFECTIONS AND MYELODYSPLASIA; COMBINED IMMUNODEFICIENCY WITH SUSCEPTIBILITY TO MYCOBACTERIAL, VIRAL, AND FUNGAL INFECTIONS; Dendritic cell, monocyte, B lymphocyte, and natural killer lymphocyte deficiency; IMMUNODEFICIENCY 21; GATA2 DEFICIENCY. Identifiers: Orphanet 228423, MedGen C3280030, MONDO:0013607, OMIM 614172.
Deafness-lymphedema-leukemia syndrome. Also called: Lymphedema, primary, with myelodysplasia; Emberger syndrome. Identifiers: Orphanet 3226, MedGen C3279664, MONDO:0013540, OMIM 614038.
Inborn genetic diseases. Identifiers: MedGen C0950123, MeSH D030342.

gnomAD v4.1: 1 of 1,614,082 alleles (0.000062%); highest among the groups gnomAD compares: Non-Finnish European, 0.000085%; no homozygotes.

Submissions (2):

Ambry Genetics
Classification: Uncertain significance for Inborn genetic diseases. Last evaluated: 2026-03-31. Review status: criteria provided, single submitter. Criteria: Ambry Variant Classification Scheme 2023. Collection method: clinical testing. Allele origin: germline.
Comment: The p.P175L variant (also known as c.524C>T), located in coding exon 2 of the GATA2 gene, results from a C to T substitution at nucleotide position 524. The proline at codon 175 is replaced by leucine, an amino acid with similar properties. This amino acid position is highly conserved in available vertebrate species. In addition, this alteration is predicted to be deleterious by in silico analysis. Based on the available evidence, the clinical significance of this variant remains unclear.

Labcorp Genetics (formerly Invitae), Labcorp
Classification: Uncertain significance for Monocytopenia with susceptibility to infections; Deafness-lymphedema-leukemia syndrome. Last evaluated: 2022-04-28. Review status: criteria provided, single submitter. Criteria: Invitae Variant Classification Sherloc (09022015). Collection method: clinical testing. Allele origin: germline.
Comment: This variant is not present in population databases (gnomAD no frequency). This sequence change replaces proline, which is neutral and non-polar, with leucine, which is neutral and non-polar, at codon 175 of the GATA2 protein (p.Pro175Leu). This variant has not been reported in the literature in individuals affected with GATA2-related conditions. ClinVar contains an entry for this variant (Variation ID: 961794). Algorithms developed to predict the effect of missense changes on protein structure and function are either unavailable or do not agree on the potential impact of this missense change (SIFT: "Deleterious"; PolyPhen-2: "Probably Damaging"; Align-GVGD: "Class C0"). In summary, the available evidence is currently insufficient to determine the role of this variant in disease. Therefore, it has been classified as a Variant of Uncertain Significance.